The following is an entry in ClinVar:

NM_001367624.2(ZNF469):c.7400C>T (p.Ala2467Val)

Gene: ZNF469 (zinc finger protein 469; plus strand). Cytogenetic location: 16q24.2.
Variant type: single nucleotide variant.
Coding change: c.7400C>T on transcript NM_001367624.2 (MANE Select); coding-DNA position 7400, C replaced by T.
Protein change: p.Ala2467Val; replaces alanine 2467 with valine.
Molecular consequence: missense variant.
Genome position (GRCh38, 1-based): chr16:88,434,870, C>T. VCF-style: chr16-88434870-C-T. GRCh37 (hg19) VCF-style: chr16-88501278-C-T.
Other names: NM_001127464.1:c.7316C>T; short protein forms A2467V.
Identifiers: ClinVar variation 3375695 (VCV003375695.1).

ClinVar aggregate classification (germline): Uncertain significance (1 of 4 stars; one submission).

Submission:

GeneDx
Classification: Uncertain significance. Last evaluated: 2024-05-09. Review status: criteria provided, single submitter. Criteria: GeneDx Variant Classification Process June 2021. Collection method: clinical testing. Allele origin: germline. Affected: yes.
Comment: Not observed at significant frequency in large population cohorts (gnomAD); In silico analysis indicates that this missense variant does not alter protein structure/function; Has not been previously published as pathogenic or benign to our knowledge